The following is an entry in ClinVar:

NM_024577.4(SH3TC2):c.2140G>C (p.Val714Leu)

Gene: SH3TC2 (SH3 domain and tetratricopeptide repeats 2; minus strand). Cytogenetic location: 5q32.
Variant type: single nucleotide variant.
Coding change: c.2140G>C on transcript NM_024577.4 (MANE Select); coding-DNA position 2140, G replaced by C.
Protein change: p.Val714Leu; replaces valine 714 with leucine.
Molecular consequence: missense variant.
Genome position (GRCh38, 1-based): chr5:149,027,592, C>G on the plus strand (G>C on the coding strand, the complement: SH3TC2 is on the minus strand). VCF-style: chr5-149027592-C-G. GRCh37 (hg19) VCF-style: chr5-148407155-C-G.
Other names: short protein forms V714L.
Identifiers: ClinVar variation 916954 (VCV000916954.7), dbSNP rs1303051798, ClinGen allele CA361666993.

ClinVar aggregate classification (germline): Uncertain significance. Review status: criteria provided, multiple submitters, no conflicts (2 of 4 stars). 3 submissions from 3 submitters: Uncertain significance (3). Last evaluated 2024-12-09.

Conditions:
Inborn genetic diseases. Identifiers: MedGen C0950123, MeSH D030342.
Charcot-Marie-Tooth disease. Also called: Charcot-Marie-Tooth Hereditary Neuropathy; Charcot-Marie-Tooth Neuropathy. Identifiers: Orphanet 166, MedGen C0007959, MONDO:0015626.
Charcot-Marie-Tooth disease type 4. Also called: Charcot-Marie-Tooth, Type 4; Charcot-Marie-Tooth disease, type IV. Identifiers: Orphanet 64749, MedGen C4082197, MONDO:0018995.

Allele frequency attached by ClinVar (database versions not stated): gnomAD 0.00001; gnomAD exomes 0.00001; TOPMed 0.00001.
gnomAD v4.1: 5 of 1,614,136 alleles (0.00031%); highest among the groups gnomAD compares: Admixed American, 0.005%; no homozygotes.

Submissions (3):

Labcorp Genetics (formerly Invitae), Labcorp
Classification: Uncertain significance for Charcot-Marie-Tooth disease type 4. Last evaluated: 2024-12-09. Review status: criteria provided, single submitter. Criteria: Invitae Variant Classification Sherloc (09022015). Collection method: clinical testing. Allele origin: germline.
Comment: This sequence change replaces valine, which is neutral and non-polar, with leucine, which is neutral and non-polar, at codon 714 of the SH3TC2 protein (p.Val714Leu). This variant is present in population databases (no rsID available, gnomAD 0.009%). This variant has not been reported in the literature in individuals affected with SH3TC2-related conditions. ClinVar contains an entry for this variant (Variation ID: 916954). Invitae Evidence Modeling of protein sequence and biophysical properties (such as structural, functional, and spatial information, amino acid conservation, physicochemical variation, residue mobility, and thermodynamic stability) indicates that this missense variant is not expected to disrupt SH3TC2 protein function with a negative predictive value of 95%. In summary, the available evidence is currently insufficient to determine the role of this variant in disease. Therefore, it has been classified as a Variant of Uncertain Significance.

Ambry Genetics
Classification: Uncertain significance for Inborn genetic diseases. Last evaluated: 2024-02-28. Review status: criteria provided, single submitter. Criteria: Ambry Variant Classification Scheme 2023. Collection method: clinical testing. Allele origin: germline.

Molecular Genetics Laboratory, London Health Sciences Centre
Classification: Uncertain significance for Charcot-Marie-Tooth disease. Review status: criteria provided, single submitter. Criteria: ACMG Guidelines, 2015. Collection method: clinical testing. Allele origin: germline. Affected: yes.